The following is an entry in ClinVar:

ClinVar aggregate classification (germline): Uncertain significance. Review status: criteria provided, multiple submitters, no conflicts (2 of 4 stars). 5 submissions from 5 submitters: Uncertain significance (5). Last evaluated 2025-11-10.

Conditions:
BAP1-related tumor predisposition syndrome (TPDS1). Also called: COMMON Syndrome; Tumor susceptibility linked to germline BAP1 mutations; TUMOR PREDISPOSITION SYNDROME 1; BAP1 tumor predisposition syndrome. Identifiers: Orphanet 289539, MedGen C3280492, MONDO:0013692, OMIM 614327.
Hereditary cancer-predisposing syndrome. Also called: Tumor predisposition; Hereditary neoplastic syndrome; Neoplastic Syndromes, Hereditary; Hereditary Cancer Syndrome. Identifiers: Orphanet 140162, MedGen C0027672, MeSH D009386, MONDO:0015356.

Allele frequency attached by ClinVar (database versions not stated): gnomAD exomes below 0.00001 and 0.00001.
gnomAD v4.1: 9 of 1,614,074 alleles (0.00056%); highest among the groups gnomAD compares: Non-Finnish European, 0.00059%; no homozygotes.

Submissions (5):

Labcorp Genetics (formerly Invitae), Labcorp
Classification: Uncertain significance for BAP1-related tumor predisposition syndrome. Last evaluated: 2025-11-10. Review status: criteria provided, single submitter. Criteria: Invitae Variant Classification Sherloc (09022015). Collection method: clinical testing. Allele origin: germline.
Comment: This sequence change replaces leucine, which is neutral and non-polar, with proline, which is neutral and non-polar, at codon 343 of the BAP1 protein (p.Leu343Pro). This variant is present in population databases (no rsID available, gnomAD 0.008%). This missense change has been observed in individual(s) with pleural epithelioid malignant mesothelioma (PMID: 28551647). ClinVar contains an entry for this variant (Variation ID: 858169). Invitae Evidence Modeling of protein sequence and biophysical properties (such as structural, functional, and spatial information, amino acid conservation, physicochemical variation, residue mobility, and thermodynamic stability) indicates that this missense variant is not expected to disrupt BAP1 protein function with a negative predictive value of 80%. In summary, the available evidence is currently insufficient to determine the role of this variant in disease. Therefore, it has been classified as a Variant of Uncertain Significance.

Ambry Genetics
Classification: Uncertain significance for Hereditary cancer-predisposing syndrome. Last evaluated: 2024-03-12. Review status: criteria provided, single submitter. Criteria: Ambry Variant Classification Scheme 2023. Collection method: clinical testing. Allele origin: germline.
Comment: The p.L343P variant (also known as c.1028T>C), located in coding exon 11 of the BAP1 gene, results from a T to C substitution at nucleotide position 1028. The leucine at codon 343 is replaced by proline, an amino acid with similar properties. This amino acid position is not well conserved in available vertebrate species. In addition, this alteration is predicted to be tolerated by in silico analysis. Based on the available evidence, the clinical significance of this alteration remains unclear.

Color Diagnostics, LLC DBA Color Health
Classification: Uncertain significance for Hereditary cancer-predisposing syndrome. Last evaluated: 2023-10-31. Review status: criteria provided, single submitter. Criteria: ACMG Guidelines, 2015. Collection method: clinical testing. Allele origin: germline.
Comment: This missense variant replaces leucine with proline at codon 343 of the BAP1 protein. Computational prediction suggests that this variant may not impact protein structure and function (internally defined REVEL score threshold <= 0.5, PMID: 27666373). To our knowledge, functional studies have not been reported for this variant. This variant has been reported in an individual affected with mesothelioma who had a history of asbestos exposure (PMID: 28551647). This variant has been identified in 2/282754 chromosomes in the general population by the Genome Aggregation Database (gnomAD). The available evidence is insufficient to determine the role of this variant in disease conclusively. Therefore, this variant is classified as a Variant of Uncertain Significance.

Department of Pathology and Laboratory Medicine, Sinai Health System
Classification: Uncertain significance for BAP1-related tumor predisposition syndrome. Last evaluated: 2023-01-13. Review status: criteria provided, single submitter. Criteria: ACMG Guidelines, 2015. Collection method: research. Allele origin: germline.

Baylor Genetics
Classification: Uncertain significance for BAP1-related tumor predisposition syndrome. Last evaluated: 2021-08-28. Review status: criteria provided, single submitter. Criteria: ACMG Guidelines, 2015. Collection method: clinical testing. Allele origin: unknown.

Literature cited by the submitters: PubMed 28551647 (cited by 3 submitters).

NM_004656.4(BAP1):c.1028T>C (p.Leu343Pro)

Gene: BAP1 (BRCA1 associated deubiquitinase 1; minus strand). Cytogenetic location: 3p21.1.
Variant type: single nucleotide variant.
Coding change: c.1028T>C on transcript NM_004656.4 (MANE Select); coding-DNA position 1028, T replaced by C.
Protein change: p.Leu343Pro; replaces leucine 343 with proline.
Molecular consequence: missense variant.
Genome position (GRCh38, 1-based): chr3:52,405,198, A>G on the plus strand (T>C on the coding strand, the complement: BAP1 is on the minus strand). VCF-style: chr3-52405198-A-G. GRCh37 (hg19) VCF-style: chr3-52439214-A-G.
Other names: short protein forms L343P.
Identifiers: ClinVar variation 858169 (VCV000858169.14), dbSNP rs1311383282, ClinGen allele CA353105882.